The following is an entry in ClinVar:

ClinVar aggregate classification (germline): Uncertain significance. Review status: criteria provided, multiple submitters, no conflicts (2 of 4 stars). 2 submissions from 2 submitters: Uncertain significance (2). Last evaluated 2025-04-17.

Conditions:
Neurohypophyseal diabetes insipidus. Also called: DIABETES INSIPIDUS, PRIMARY CENTRAL; Diabetes Insipidus, Neurogenic; Hereditary arginine vasopressin deficiency. Identifiers: Orphanet 178029, Orphanet 30925, MedGen C0342394, MONDO:0007450, OMIM 125700.

Allele frequency attached by ClinVar (database versions not stated): gnomAD 0.00015; TOPMed 0.00020; ExAC 0.00082.
gnomAD v4.1: 192 of 1,000,838 alleles (0.019%); highest among the groups gnomAD compares: Non-Finnish European, 0.023%; no homozygotes.

Submissions (2):

Labcorp Genetics (formerly Invitae), Labcorp
Classification: Uncertain significance. Last evaluated: 2025-04-17. Review status: criteria provided, single submitter. Criteria: Invitae Variant Classification Sherloc (09022015). Collection method: clinical testing. Allele origin: germline.
Comment: This sequence change falls in intron 2 of the AVP gene. It does not directly change the encoded amino acid sequence of the AVP protein. It affects a nucleotide within the consensus splice site. The frequency data for this variant in the population databases is considered unreliable, as metrics indicate poor data quality at this position in the gnomAD database. This variant has not been reported in the literature in individuals affected with AVP-related conditions. ClinVar contains an entry for this variant (Variation ID: 2186055). Variants that disrupt the consensus splice site are a relatively common cause of aberrant splicing (PMID: 17576681, 9536098). Algorithms developed to predict the effect of sequence changes on RNA splicing suggest that this variant is not likely to affect RNA splicing. In summary, the available evidence is currently insufficient to determine the role of this variant in disease. Therefore, it has been classified as a Variant of Uncertain Significance.

Fulgent Genetics
Classification: Uncertain significance for Neurohypophyseal diabetes insipidus. Last evaluated: 2024-06-01. Review status: criteria provided, single submitter. Criteria: ACMG Guidelines, 2015. Collection method: clinical testing. Allele origin: germline.

Literature cited by the submitters: PubMed 17576681 (cited by Labcorp Genetics (formerly Invitae), Labcorp); PubMed 9536098 (cited by Labcorp Genetics (formerly Invitae), Labcorp).

NM_000490.5(AVP):c.322+4C>A

Gene: AVP (arginine vasopressin; minus strand). Cytogenetic location: 20p13.
Variant type: single nucleotide variant.
Coding change: c.322+4C>A on transcript NM_000490.5 (MANE Select); 4 bases into the intron after coding-DNA position 322, C replaced by A.
Molecular consequence: intron variant.
Genome position (GRCh38, 1-based): chr20:3,082,973, G>T on the plus strand (C>A on the coding strand, the complement: AVP is on the minus strand). VCF-style: chr20-3082973-G-T. GRCh37 (hg19) VCF-style: chr20-3063619-G-T.
Identifiers: ClinVar variation 2186055 (VCV002186055.5), dbSNP rs779482841, ClinGen allele CA9739437.